The following is an entry in ClinVar:

ClinVar aggregate classification (germline): Likely pathogenic (1 of 4 stars; one submission).

Conditions:
Neurodegeneration with ataxia and late-onset optic atrophy. Identifiers: MedGen C5543254, MONDO:0031006, OMIM 619259.

Submission:

Women's Health and Genetics/Laboratory Corporation of America, LabCorp
Classification: Likely pathogenic for Neurodegeneration with ataxia and late-onset optic atrophy. Last evaluated: 2023-06-21. Review status: criteria provided, single submitter. Criteria: LabCorp Variant Classification Summary - May 2015. Collection method: clinical testing. Allele origin: germline.
Comment: Variant summary: The variant identified by MLPA or other technology involves the deletion of exons 1-9 in the SDHA gene, where exon 1 contains the translation initiation codon. The exact breakpoint at the 5' end of this variant is unknown and therefore this deletion might extend upstream of the assayed region of the gene. A presumed nomenclature of c.(?_-134)_(1260+1_1261-1)del has been designated for the purposes of this classification. Although exact breakpoints of this deletion are not known, it is expected to result in an absent of shortened protein product, a known mechanism of disease. The variant was absent in 21694 control chromosomes (gnomAD, Structural Variants dataset). To our knowledge, c.(?_-134)_(1260+1_1261-1)del has not been reported in the literature in individuals affected with Neurodegeneration With Ataxia And Late-Onset Optic Atrophy, and no experimental evidence demonstrating an impact on protein function has been reported. The following publication was ascertained in the context of this evaluation (PMID: 30068732). No submitters have cited clinical-significance assessments for this variant to ClinVar after 2014. Based on the evidence outlined above, the variant was classified as likely pathogenic.

Literature cited by the submitters: PubMed 30068732.

NC_000005.9:g.(?_218337)_(235455_236542)del

Gene: SDHA (succinate dehydrogenase complex flavoprotein subunit A; plus strand). Cytogenetic location: 5p15.33.
Variant type: Deletion.
Identifiers: ClinVar variation 2573516 (VCV002573516.1).